The following is an entry in ClinVar:

NM_198904.4(GABRG2):c.315C>T (p.Asn105=)

Gene: GABRG2 (gamma-aminobutyric acid type A receptor subunit gamma2; plus strand). Cytogenetic location: 5q34.
Variant type: single nucleotide variant.
Coding change: c.315C>T on transcript NM_198904.4 (MANE Select); coding-DNA position 315, C replaced by T.
Protein change: p.Asn105=; no amino-acid change (asparagine 105 retained).
Molecular consequence: synonymous variant. On other transcripts: 5 prime UTR variant (2).
Genome position (GRCh38, 1-based): chr5:162,095,550, C>T. VCF-style: chr5-162095550-C-T. GRCh37 (hg19) VCF-style: chr5-161522556-C-T.
Other names: p.Asn105=; c.315C>T, p.Asn105= (NM_000816.3, NM_001375340.1, NM_001375341.1 and 4 more transcripts); c.306C>T, p.Asn102= (NM_001375339.1); c.249C>T, p.Asn83= (NM_001375345.1, NM_001375346.1); c.228C>T, p.Asn76= (NM_001375347.1); c.-44C>T (NM_001375348.1, NM_001375350.1); c.30C>T, p.Asn10= (NM_001375349.1).
Identifiers: ClinVar variation 129127 (VCV000129127.31), dbSNP rs11135176, ClinGen allele CA152928.

ClinVar aggregate classification (germline): Benign/Likely benign. Review status: criteria provided, multiple submitters, no conflicts (2 of 4 stars). 10 submissions from 10 submitters: Benign (8); Likely benign (1). 1 of the submissions does not count toward it. Last evaluated 2026-02-03.

Conditions:
EPILEPSY, CHILDHOOD ABSENCE, SUSCEPTIBILITY TO, 2 (ECA2). Identifiers: Orphanet 64280, MedGen C1843244, OMIM 607681.
Febrile seizures, familial, 8 (FEB8). Also called: CONVULSIONS, FAMILIAL FEBRILE, 8. Identifiers: Orphanet 36387, MedGen C1969810, MONDO:0011891, OMIM 607681.
Inborn genetic diseases. Identifiers: MedGen C0950123, MeSH D030342.

Allele frequency attached by ClinVar (database versions not stated): ESP Exome Variant Server 0.06137; gnomAD 0.07676 and 0.08439; TOPMed 0.08929; gnomAD exomes 0.09865 and 0.13005; ExAC 0.12554; 1000 Genomes Project 30x 0.13367; 1000 Genomes Project 0.13498.
gnomAD v4.1: 155,228 of 1,598,584 alleles (9.7%); highest among the groups gnomAD compares: Admixed American, 28%; 10,705 homozygotes.

Submissions (10):

Labcorp Genetics (formerly Invitae), Labcorp
Classification: Benign for Febrile seizures, familial, 8; EPILEPSY, CHILDHOOD ABSENCE, SUSCEPTIBILITY TO, 2. Last evaluated: 2026-02-03. Review status: criteria provided, single submitter. Criteria: Invitae Variant Classification Sherloc (09022015). Collection method: clinical testing. Allele origin: germline.

Blueprint Genetics
Classification: Likely benign. Last evaluated: 2024-11-26. Review status: criteria provided, single submitter. Criteria: ACMG Guidelines, 2015. Collection method: clinical testing. Allele origin: germline.

Unidad de Genómica Garrahan, Hospital de Pediatría Garrahan
Classification: Benign. Last evaluated: 2024-07-15. Review status: criteria provided, single submitter. Criteria: ACMG Guidelines, 2015. Collection method: clinical testing. Allele origin: germline. Affected: no. Observed: 30 variant alleles.
Comment: This variant is classified as Benign based on local population frequency. This variant was detected in 32% of patients studied in a panel designed for Epileptic and Developmental Encephalopathy and Progressive Myoclonus Epilepsy. Number of patients: 30. Only high quality variants are reported.

Mayo Clinic Laboratories, Mayo Clinic
Classification: Benign. Last evaluated: 2018-04-10. Review status: criteria provided, single submitter. Criteria: ACMG Guidelines, 2015. Collection method: clinical testing. Allele origin: germline. Observed: 118 variant alleles.

Illumina Laboratory Services, Illumina
Classification: Benign for Febrile seizures, familial, 8. Last evaluated: 2018-01-13. Review status: criteria provided, single submitter. Criteria: ICSL Variant Classification Criteria 13 December 2019. Collection method: clinical testing. Allele origin: germline.
Comment: This variant was observed in the ICSL laboratory as part of a predisposition screen in an ostensibly healthy population. It had not been previously curated by ICSL or reported in the Human Gene Mutation Database (HGMD: prior to June 1st, 2018), and was therefore a candidate for classification through an automated scoring system. Utilizing variant allele frequency, disease prevalence and penetrance estimates, and inheritance mode, an automated score was calculated to assess if this variant is too frequent to cause the disease. Based on the score and internal cut-off values, a variant classified as benign is not then subjected to further curation. The score for this variant resulted in a classification of benign for this disease.

Athena Diagnostics
Classification: Benign for Febrile seizures, familial, 8. Last evaluated: 2017-04-28. Review status: criteria provided, single submitter. Criteria: Athena Diagnostics Criteria. Collection method: clinical testing. Allele origin: germline.

Ambry Genetics
Classification: Benign for Inborn genetic diseases. Last evaluated: 2016-03-13. Review status: criteria provided, single submitter. Criteria: Ambry Variant Classification Scheme 2023. Collection method: clinical testing. Allele origin: germline.

GeneDx
Classification: Benign. Last evaluated: 2015-03-03. Review status: criteria provided, single submitter. Criteria: GeneDx Variant Classification Process June 2021. Collection method: clinical testing. Allele origin: germline. Affected: yes.

PreventionGenetics, part of Exact Sciences
Classification: Benign. Review status: criteria provided, single submitter. Criteria: ACMG Guidelines, 2015. Collection method: clinical testing. Allele origin: germline.

Genetic Services Laboratory, University of Chicago
Classification: Likely benign for AllHighlyPenetrant. Review status: no assertion criteria provided. Collection method: clinical testing. Allele origin: germline. Inheritance: Autosomal dominant inheritance. Not counted in ClinVar's aggregate classification.
Comment: Likely benign based on allele frequency in 1000 Genomes Project or ESP global frequency and its presence in a patient with a rare or unrelated disease phenotype. NOT Sanger confirmed.